The following is an entry in ClinVar:

NM_000458.4(HNF1B):c.688A>T (p.Lys230Ter)

Genes: HNF1B (HNF1 homeobox B; minus strand), LOC126862549 (BRD4-independent group 4 enhancer GRCh37_chr17:36093401-36094600; plus strand). Cytogenetic location: 17q12.
Variant type: single nucleotide variant.
Coding change: c.688A>T on transcript NM_000458.4 (MANE Select); coding-DNA position 688, A replaced by T.
Protein change: p.Lys230Ter; replaces lysine 230 with a stop codon.
Molecular consequence: nonsense.
Genome position (GRCh38, 1-based): chr17:37,733,678, T>A on the plus strand (A>T on the coding strand, the complement: HNF1B is on the minus strand). VCF-style: chr17-37733678-T-A. GRCh37 (hg19) VCF-style: chr17-36093671-T-A.
Other names: c.610A>T, p.Lys204Ter (NM_001165923.4, NM_001304286.2); c.688A>T, p.Lys230Ter (NM_001411100.1); short protein forms K230*, K204*.
Identifiers: ClinVar variation 4990655 (VCV004990655.1).

ClinVar aggregate classification (germline): Pathogenic (1 of 4 stars; one submission).

Conditions:
HNF1B-related disorder. Also called: HNF1B-related condition; HNF1B-related disorders.

Submission:

PreventionGenetics, part of Exact Sciences
Classification: Pathogenic for HNF1B-related condition. Last evaluated: 2026-05-13. Review status: criteria provided, single submitter. Criteria: ACMG Guidelines, 2015. Collection method: clinical testing. Allele origin: germline.
Comment: The HNF1B c.688A>T variant is predicted to result in premature protein termination (p.Lys230*). To our knowledge, this variant has not been reported in individuals in the literature or in a large population database (gnomad), indicating this variant is rare. Nonsense variants in HNF1B are expected to be pathogenic. This variant is interpreted as pathogenic.